The following is an entry in ClinVar:

NM_000112.4(SLC26A2):c.2065A>G (p.Thr689Ala)

Gene: SLC26A2 (solute carrier family 26 member 2; plus strand). Cytogenetic location: 5q32.
Variant type: single nucleotide variant.
Coding change: c.2065A>G on transcript NM_000112.4 (MANE Select); coding-DNA position 2065, A replaced by G.
Protein change: p.Thr689Ala; replaces threonine 689 with alanine.
Molecular consequence: missense variant.
Genome position (GRCh38, 1-based): chr5:149,981,658, A>G. VCF-style: chr5-149981658-A-G. GRCh37 (hg19) VCF-style: chr5-149361221-A-G.
Other names: short protein forms T689A.
Identifiers: ClinVar variation 2166615 (VCV002166615.3), dbSNP rs3776070, ClinGen allele CA3505549.

ClinVar aggregate classification (germline): Uncertain significance (1 of 4 stars; one submission).

Conditions:
Achondrogenesis, type IB (ACG1B). Also called: Achondrogenesis Type 1B. Identifiers: Orphanet 932, Orphanet 93298, MedGen C0265274, MONDO:0010966, OMIM 600972.
Multiple epiphyseal dysplasia type 4 (EDM4). Also called: SLC26A2-Related Multiple Epiphyseal Dysplasia; Multiple Epiphyseal Dysplasia, Recessive; MULTIPLE EPIPHYSEAL DYSPLASIA WITH BILAYERED PATELLAE; MULTIPLE EPIPHYSEAL DYSPLASIA WITH CLUBFOOT; MULTIPLE EPIPHYSEAL DYSPLASIA, AUTOSOMAL RECESSIVE. Identifiers: Orphanet 93307, MedGen C1847593, MONDO:0009189, OMIM 226900.
Atelosteogenesis type II (AO2). Also called: Neonatal osseous dysplasia 1; SLC26A2-Related Atelosteogenesis; NEONATAL OSSEOUS DYSPLASIA I. Identifiers: Orphanet 56304, MedGen C1850554, MONDO:0009727, OMIM 256050.
Diastrophic dysplasia (DTD). Also called: Diastrophic dwarfism. Identifiers: Orphanet 628, MedGen C0220726, MONDO:0009107, OMIM 222600.

gnomAD v4.1: 13 of 1,613,582 alleles (0.00081%); highest among the groups gnomAD compares: Admixed American, 0.02%; no homozygotes.

Submission:

Labcorp Genetics (formerly Invitae), Labcorp
Classification: Uncertain significance for Atelosteogenesis type II; Multiple epiphyseal dysplasia type 4; Achondrogenesis, type IB; Diastrophic dysplasia. Last evaluated: 2023-11-27. Review status: criteria provided, single submitter. Criteria: Invitae Variant Classification Sherloc (09022015). Collection method: clinical testing. Allele origin: germline.
Comment: This sequence change replaces threonine, which is neutral and polar, with alanine, which is neutral and non-polar, at codon 689 of the SLC26A2 protein (p.Thr689Ala). This variant is present in population databases (rs3776070, gnomAD 0.03%). This variant has not been reported in the literature in individuals affected with SLC26A2-related conditions. ClinVar contains an entry for this variant (Variation ID: 2166615). Advanced modeling of protein sequence and biophysical properties (such as structural, functional, and spatial information, amino acid conservation, physicochemical variation, residue mobility, and thermodynamic stability) performed at Invitae indicates that this missense variant is not expected to disrupt SLC26A2 protein function with a negative predictive value of 80%. In summary, the available evidence is currently insufficient to determine the role of this variant in disease. Therefore, it has been classified as a Variant of Uncertain Significance.